The following is an entry in ClinVar:

NM_033305.3(VPS13A):c.*694C>A

Gene: VPS13A (vacuolar protein sorting 13 homolog A; plus strand). Cytogenetic location: 9q21.2.
Variant type: single nucleotide variant.
Coding change: c.*694C>A on transcript NM_033305.3 (MANE Select); 694 bases downstream of the stop codon, C replaced by A.
Molecular consequence: 3 prime UTR variant.
Genome position (GRCh38, 1-based): chr9:77,416,700, C>A. VCF-style: chr9-77416700-C-A. GRCh37 (hg19) VCF-style: chr9-80031616-C-A.
Other names: c.*694C>A (NM_001018037.2).
Identifiers: ClinVar variation 913668 (VCV000913668.4), dbSNP rs115104076, ClinGen allele CA194409415.

ClinVar aggregate classification (germline): Benign (1 of 4 stars; one submission).

Conditions:
VPS13A-related neurodegenerative disease. Also called: VPS13A Disease; Choreaacanthocytosis; Chorea-acanthocytosis; LEVINE-CRITCHLEY SYNDROME; Choreoacanthocytosis; ACANTHOCYTOSIS WITH NEUROLOGIC DISORDER. Identifiers: Orphanet 2388, MedGen C0393576, MONDO:0008695, OMIM 200150.

Allele frequency attached by ClinVar (database versions not stated): TOPMed 0.00671; 1000 Genomes Project 0.01198; 1000 Genomes Project 30x 0.01327.

Submission:

Illumina Laboratory Services, Illumina
Classification: Benign for VPS13A-related neurodegenerative disease. Last evaluated: 2018-01-12. Review status: criteria provided, single submitter. Criteria: ICSL Variant Classification Criteria 13 December 2019. Collection method: clinical testing. Allele origin: germline.
Comment: This variant was observed in the ICSL laboratory as part of a predisposition screen in an ostensibly healthy population. It had not been previously curated by ICSL or reported in the Human Gene Mutation Database (HGMD: prior to June 1st, 2018), and was therefore a candidate for classification through an automated scoring system. Utilizing variant allele frequency, disease prevalence and penetrance estimates, and inheritance mode, an automated score was calculated to assess if this variant is too frequent to cause the disease. Based on the score and internal cut-off values, a variant classified as benign is not then subjected to further curation. The score for this variant resulted in a classification of benign for this disease.